The following is an entry in ClinVar:

ClinVar aggregate classification (germline): Uncertain significance (1 of 4 stars; one submission).

Conditions:
Hypertrophic cardiomyopathy. Also called: HYPERTROPHIC MYOCARDIOPATHY. Identifiers: Orphanet 217569, MedGen C0007194, MeSH D002312, MONDO:0005045, HP:0001639.

Submission:

All of Us Research Program, National Institutes of Health
Classification: Uncertain significance for Hypertrophic cardiomyopathy. Last evaluated: 2024-08-06. Review status: criteria provided, single submitter. Criteria: ACMG Guidelines, 2015. Collection method: clinical testing. Allele origin: germline. Inheritance: Autosomal dominant inheritance. Observed: 1 variant allele, 1 heterozygote.
Comment: This study involves interpretation of variants in research participants for the purpose of population health screening. Participant phenotype was not available at the time of variant classification. Additional details can be found in publication PMID: 35346344, PMCID: PMC8962531

NM_016203.4(PRKAG2):c.589C>T (p.Pro197Ser)

Gene: PRKAG2 (protein kinase AMP-activated non-catalytic subunit gamma 2; minus strand). Cytogenetic location: 7q36.1.
Variant type: single nucleotide variant.
Coding change: c.589C>T on transcript NM_016203.4 (MANE Select); coding-DNA position 589, C replaced by T.
Protein change: p.Pro197Ser; replaces proline 197 with serine.
Molecular consequence: missense variant. On other transcripts: intron variant (5).
Genome position (GRCh38, 1-based): chr7:151,675,515, G>A on the plus strand (C>T on the coding strand, the complement: PRKAG2 is on the minus strand). VCF-style: chr7-151675515-G-A. GRCh37 (hg19) VCF-style: chr7-151372601-G-A.
Other names: c.457C>T, p.Pro153Ser (NM_001040633.2, NM_001407024.1, NM_001407026.1 and 1 more transcripts); c.217C>T, p.Pro73Ser (NM_001304527.2, NM_001363698.2, NM_001407028.1 and 1 more transcripts); c.589C>T, p.Pro197Ser (NM_001407021.1, NM_001407022.1, NM_001407023.1); c.271C>T, p.Pro91Ser (NM_001407032.1); c.467-80064C>T (NM_001407031.1); c.467-80061C>T (NM_001407030.1); c.361-43377C>T (NM_001407033.1); c.94+60385C>T (NM_001407037.1); and 1 more; short protein forms P153S, P197S, P73S, P91S.
Identifiers: ClinVar variation 3387537 (VCV003387537.1).